The following is an entry in ClinVar:

ClinVar aggregate classification (germline): Conflicting classifications of pathogenicity. Review status: criteria provided, conflicting classifications (1 of 4 stars). 3 submissions from 3 submitters: Likely pathogenic (1); Uncertain significance (2). Last evaluated 2022-06-13.

Conditions:
TRAF3IP1-related disorder. Also called: TRAF3IP1-related condition.
Inborn genetic diseases. Identifiers: MedGen C0950123, MeSH D030342.

gnomAD v4.1: 18 of 1,614,022 alleles (0.0011%); highest among the groups gnomAD compares: Admixed American, 0.0017%; no homozygotes.

Submissions (3):

Labcorp Genetics (formerly Invitae), Labcorp
Classification: Uncertain significance. Last evaluated: 2022-06-13. Review status: criteria provided, single submitter. Criteria: Invitae Variant Classification Sherloc (09022015). Collection method: clinical testing. Allele origin: germline.
Comment: This sequence change replaces valine, which is neutral and non-polar, with methionine, which is neutral and non-polar, at codon 79 of the TRAF3IP1 protein (p.Val79Met). This variant is present in population databases (rs771514528, gnomAD 0.003%). This variant has not been reported in the literature in individuals affected with TRAF3IP1-related conditions. Algorithms developed to predict the effect of missense changes on protein structure and function are either unavailable or do not agree on the potential impact of this missense change (SIFT: "Deleterious"; PolyPhen-2: "Possibly Damaging"; Align-GVGD: "Class C0"). In summary, the available evidence is currently insufficient to determine the role of this variant in disease. Therefore, it has been classified as a Variant of Uncertain Significance.

Ambry Genetics
Classification: Uncertain significance for Inborn genetic diseases. Last evaluated: 2021-07-20. Review status: criteria provided, single submitter. Criteria: Ambry Variant Classification Scheme 2023. Collection method: clinical testing. Allele origin: germline.

Blueprint Genetics
Classification: Likely pathogenic for TRAF3IP1-related disorders. Last evaluated: 2020-05-13. Review status: criteria provided, single submitter. Criteria: ACMG Guidelines, 2015. Collection method: clinical testing. Allele origin: germline. Affected: yes. Observed: 4 variant alleles.

NM_015650.4(IFT54):c.235G>A (p.Val79Met)

Gene: IFT54 (intraflagellar transport 54; plus strand). Cytogenetic location: 2q37.3.
Variant type: single nucleotide variant.
Coding change: c.235G>A on transcript NM_015650.4 (MANE Select); coding-DNA position 235, G replaced by A.
Protein change: p.Val79Met; replaces valine 79 with methionine.
Molecular consequence: missense variant.
Genome position (GRCh38, 1-based): chr2:238,325,851, G>A. VCF-style: chr2-238325851-G-A. GRCh37 (hg19) VCF-style: chr2-239234492-G-A.
Other names: c.235G>A, p.Val79Met (NM_001139490.1); c.235G>A (NM_015650.3); short protein forms V79M.
Identifiers: ClinVar variation 1495386 (VCV001495386.5), dbSNP rs771514528, ClinGen allele CA2197992.